The following is an entry in ClinVar:

NM_001369.3(DNAH5):c.3933_3942dup (p.Glu1315fs)

Genes: DNAH5 (dynein axonemal heavy chain 5; minus strand), DNAH5-AS1 (DNAH5 antisense RNA 1; plus strand). Cytogenetic location: 5p15.2.
Variant type: Duplication.
Coding change: c.3933_3942dup on transcript NM_001369.3 (MANE Select); coding-DNA positions 3933 to 3942, 10 bases duplicated (ACGTGCTGGC; older notation c.3933_3942dupACGTGCTGGC).
Protein change: p.Glu1315fs; shifts the reading frame from glutamic acid 1315.
Molecular consequence: frameshift variant.
Genome position (GRCh38, 1-based): chr5:13,867,885-13,867,894, GCCAGCACGT duplicated on the plus strand (ACGTGCTGGC on the coding strand, the reverse complement: DNAH5 is on the minus strand); duplicating any 10 consecutive bases within chr5:13,867,885-13,867,901 gives the same sequence; the c. name uses the placement nearest the transcript's 3' end. VCF-style (leftmost placement, unchanged base first): chr5-13867884-C-CGCCAGCACGT. GRCh37 (hg19) VCF-style: chr5-13867993-C-CGCCAGCACGT.
Other names: short protein forms E1315fs.
Identifiers: ClinVar variation 5010979 (VCV005010979.1).

ClinVar aggregate classification (germline): Pathogenic (1 of 4 stars; one submission).

Conditions:
Primary ciliary dyskinesia 3. Identifiers: Orphanet 244, MedGen C1837618, MONDO:0012085, OMIM 608644.

Submission:

Myriad Genetics, Inc.
Classification: Pathogenic for Primary ciliary dyskinesia 3. Last evaluated: 2024-05-14. Review status: criteria provided, single submitter. Criteria: Myriad Autosomal Dominant, Autosomal Recessive and X-Linked Classification Criteria (2023). Collection method: clinical testing. Allele origin: unknown.
Comment: NM_001369.2(DNAH5):c.3933_3942dup10(E1315Tfs*8) is expected to be pathogenic in the context of primary ciliary dyskinesia, DNAH5-related. This variant is predicted to lead to an abnormal or absent protein product due to the creation of a premature termination codon in DNAH5, a gene where loss-of-function variants are known to be pathogenic. Please note: this variant was assessed in the context of healthy population screening.